The following is an entry in ClinVar:

NM_001376.5(DYNC1H1):c.9469-1G>A

Gene: DYNC1H1 (dynein cytoplasmic 1 heavy chain 1; plus strand). Cytogenetic location: 14q32.31.
Variant type: single nucleotide variant.
Coding change: c.9469-1G>A on transcript NM_001376.5 (MANE Select); the canonical splice acceptor site of the intron before coding-DNA position 9469, G replaced by A.
Molecular consequence: splice acceptor variant.
Genome position (GRCh38, 1-based): chr14:102,029,538, G>A. VCF-style: chr14-102029538-G-A. GRCh37 (hg19) VCF-style: chr14-102495875-G-A.
Identifiers: ClinVar variation 1306565 (VCV001306565.2), dbSNP rs2152590096, ClinGen allele CA391015074.

ClinVar aggregate classification (germline): Uncertain significance (1 of 4 stars; one submission).

Submission:

GeneDx
Classification: Uncertain significance. Last evaluated: 2019-07-09. Review status: criteria provided, single submitter. Criteria: GeneDx Variant Classification Process June 2021. Collection method: clinical testing. Allele origin: germline. Affected: yes.
Comment: Not observed in large population cohorts (Lek et al., 2016); Canonical splice site variant predicted to result in an in-frame deletion of exon 49; Has not been previously published as pathogenic or benign to our knowledge